The following is an entry in ClinVar:

NM_001231.5(CASQ1):c.578-3C>G

Gene: CASQ1 (calsequestrin 1; plus strand). Cytogenetic location: 1q23.2.
Variant type: single nucleotide variant.
Coding change: c.578-3C>G on transcript NM_001231.5 (MANE Select); 3 bases into the intron before coding-DNA position 578, C replaced by G.
Molecular consequence: intron variant.
Genome position (GRCh38, 1-based): chr1:160,195,458, C>G. VCF-style: chr1-160195458-C-G. GRCh37 (hg19) VCF-style: chr1-160165248-C-G.
Identifiers: ClinVar variation 1050661 (VCV001050661.8), dbSNP rs373781900, ClinGen allele CA1196255.
Genomic context (GRCh38, chr1:160,195,458, plus strand): 5'-GGGGGATGATTCCCGGGCAGACCCTGGTTTCCCCAGAGACTGACTCTGCATTCCACCCCC[C>G]AGATTACAAAGCCTTCGAGGATGCAGCTGAGGAGTTTCATCCCTACATCCCCTTCTTCGC-3'

ClinVar aggregate classification (germline): Uncertain significance. Review status: criteria provided, single submitter (1 of 4 stars). 2 submissions from 2 submitters: Uncertain significance (1). 1 of the submissions does not count toward it. Last evaluated 2025-09-02.

Allele frequency attached by ClinVar (database versions not stated): ExAC 0.00002; gnomAD 0.00002; gnomAD exomes 0.00003; TOPMed 0.00003; ESP Exome Variant Server 0.00008.
gnomAD v4.1: 161 of 1,613,812 alleles (0.01%); highest among the groups gnomAD compares: Non-Finnish European, 0.013%; no homozygotes.

Submissions (2):

Labcorp Genetics (formerly Invitae), Labcorp
Classification: Uncertain significance. Last evaluated: 2025-09-02. Review status: criteria provided, single submitter. Criteria: Invitae Variant Classification Sherloc (09022015). Collection method: clinical testing. Allele origin: germline.
Comment: This sequence change falls in intron 4 of the CASQ1 gene. It does not directly change the encoded amino acid sequence of the CASQ1 protein. It affects a nucleotide within the consensus splice site. This variant is present in population databases (rs373781900, gnomAD 0.007%). This variant has not been reported in the literature in individuals affected with CASQ1-related conditions. ClinVar contains an entry for this variant (Variation ID: 1050661). Variants that disrupt the consensus splice site are a relatively common cause of aberrant splicing (PMID: 17576681, 9536098). Algorithms developed to predict the effect of sequence changes on RNA splicing suggest that this variant may disrupt the consensus splice site. In summary, the available evidence is currently insufficient to determine the role of this variant in disease. Therefore, it has been classified as a Variant of Uncertain Significance.

Department of Pathology and Laboratory Medicine, Sinai Health System
Classification: Uncertain significance. Review status: no assertion criteria provided. Collection method: clinical testing. Allele origin: unknown. Affected: yes. Study: The Canadian Open Genetics Repository (COGR). Not counted in ClinVar's aggregate classification.
Comment: The CASQ1 c.578-3C>G variant was not identified in the literature nor was it identified in ClinVar or LOVD 3.0. The variant was identified in dbSNP (ID: rs373781900) and in control databases in 8 of 251428 chromosomes at a frequency of 0.00003182 (Genome Aggregation Database March 6, 2019, v2.1.1). The variant was observed in the European (non-Finnish) population in 8 of 113734 chromosomes (freq: 0.00007), but was not observed in the African, Latino, Ashkenazi Jewish, East Asian, European (Finnish), Other, or South Asian populations. The c.578-3C>G variant is located in the 3' splice region but does not affect the invariant -1 and -2 positions. However, positions -3 and -5 to -12 are part of the splicing consensus sequence and variants involving these positions sometimes affect splicing. In addition, four of four in silico or computational prediction software programs (SpliceSiteFinder, MaxEntScan, NNSPLICE, GeneSplicer) predict a greater than 10% difference in splicing and the loss of the canonical 3' splice site. However, this has not been confirmed by RNA analysis and is not predictive enough to assume pathogenicity. In summary, based on the above information the clinical significance of this variant cannot be determined with certainty at this time. This variant is classified as a variant of uncertain significance.

Literature cited by the submitters: PubMed 17576681 (cited by Labcorp Genetics (formerly Invitae), Labcorp); PubMed 9536098 (cited by Labcorp Genetics (formerly Invitae), Labcorp).